The following is an entry in ClinVar:

ClinVar aggregate classification (germline): Uncertain significance (1 of 4 stars; one submission).

Conditions:
DICER1-related tumor predisposition. Also called: DICER1-related pleuropulmonary blastoma cancer predisposition syndrome; DICER1 syndrome. Identifiers: Orphanet 284343, MedGen C3839822, MONDO:0100216.

Submission:

Labcorp Genetics (formerly Invitae), Labcorp
Classification: Uncertain significance for DICER1-related tumor predisposition. Last evaluated: 2025-02-17. Review status: criteria provided, single submitter. Criteria: Invitae Variant Classification Sherloc (09022015). Collection method: clinical testing. Allele origin: germline.
Comment: This sequence change replaces aspartic acid, which is acidic and polar, with histidine, which is basic and polar, at codon 1875 of the DICER1 protein (p.Asp1875His). This variant is not present in population databases (gnomAD no frequency). This variant has not been reported in the literature in individuals affected with DICER1-related conditions. Invitae Evidence Modeling of protein sequence and biophysical properties (such as structural, functional, and spatial information, amino acid conservation, physicochemical variation, residue mobility, and thermodynamic stability) indicates that this missense variant is not expected to disrupt DICER1 protein function with a negative predictive value of 95%. RNA analysis performed to evaluate the impact of this missense change on mRNA splicing indicates it does not significantly alter splicing (internal data). In summary, the available evidence is currently insufficient to determine the role of this variant in disease. Therefore, it has been classified as a Variant of Uncertain Significance.

NM_177438.3(DICER1):c.5623G>C (p.Asp1875His)

Gene: DICER1 (dicer 1, ribonuclease III; minus strand). Cytogenetic location: 14q32.13.
Variant type: single nucleotide variant.
Coding change: c.5623G>C on transcript NM_177438.3 (MANE Select); coding-DNA position 5623, G replaced by C.
Protein change: p.Asp1875His; replaces aspartic acid 1875 with histidine.
Molecular consequence: missense variant. On other transcripts: synonymous variant (1), non-coding transcript variant (6).
Genome position (GRCh38, 1-based): chr14:95,090,644, C>G on the plus strand (G>C on the coding strand, the complement: DICER1 is on the minus strand). VCF-style: chr14-95090644-C-G. GRCh37 (hg19) VCF-style: chr14-95556981-C-G.
Other names: c.5460G>C, p.Thr1820= (NM_001195573.1); c.5623G>C, p.Asp1875His (NM_001271282.3, NM_001291628.2, NM_001395677.1 and 7 more transcripts); c.5341G>C, p.Asp1781His (NM_001395686.1); c.5218G>C, p.Asp1740His (NM_001395687.1, NM_001395688.1, NM_001395689.1 and 1 more transcripts); c.5056G>C, p.Asp1686His (NM_001395691.1); c.3940G>C, p.Asp1314His (NM_001395697.1); short protein forms D1686H, D1781H, D1314H, D1875H, D1740H.
Identifiers: ClinVar variation 4746762 (VCV004746762.1).